The following is an entry in ClinVar:

NM_014324.6(AMACR):c.223G>C (p.Val75Leu)

Genes: AMACR (alpha-methylacyl-CoA racemase; minus strand), C1QTNF3-AMACR (C1QTNF3-AMACR readthrough (NMD candidate); minus strand). Cytogenetic location: 5p13.2.
Variant type: single nucleotide variant.
Coding change: c.223G>C on transcript NM_014324.6 (MANE Select); coding-DNA position 223, G replaced by C.
Protein change: p.Val75Leu; replaces valine 75 with leucine.
Molecular consequence: missense variant.
Genome position (GRCh38, 1-based): chr5:34,007,797, C>G on the plus strand (G>C on the coding strand, the complement: AMACR is on the minus strand). VCF-style: chr5-34007797-C-G. GRCh37 (hg19) VCF-style: chr5-34007902-C-G.
Other names: c.223G>C, p.Val75Leu (NM_001167595.2, NM_203382.3); short protein forms V75L.
Identifiers: ClinVar variation 1994800 (VCV001994800.4), dbSNP rs1156726578, ClinGen allele CA359384860.

ClinVar aggregate classification (germline): Uncertain significance (1 of 4 stars; one submission).

Conditions:
Alpha-methylacyl-CoA racemase deficiency (AMACRD). Also called: AMACR deficiency. Identifiers: Orphanet 79095, MedGen C3280428, MONDO:0013681, OMIM 614307. Disease mechanism: loss of function.

Submission:

Labcorp Genetics (formerly Invitae), Labcorp
Classification: Uncertain significance for Alpha-methylacyl-CoA racemase deficiency. Last evaluated: 2022-05-15. Review status: criteria provided, single submitter. Criteria: Invitae Variant Classification Sherloc (09022015). Collection method: clinical testing. Allele origin: germline.
Comment: This sequence change replaces valine, which is neutral and non-polar, with leucine, which is neutral and non-polar, at codon 75 of the AMACR protein (p.Val75Leu). This variant is not present in population databases (gnomAD no frequency). In summary, the available evidence is currently insufficient to determine the role of this variant in disease. Therefore, it has been classified as a Variant of Uncertain Significance. Algorithms developed to predict the effect of missense changes on protein structure and function (SIFT, PolyPhen-2, Align-GVGD) all suggest that this variant is likely to be disruptive. This variant has not been reported in the literature in individuals affected with AMACR-related conditions.